The following is an entry in ClinVar:

NM_000059.4(BRCA2):c.6714T>A (p.Asp2238Glu)

Gene: BRCA2 (BRCA2 DNA repair associated; plus strand). Cytogenetic location: 13q13.1.
Variant type: single nucleotide variant.
Coding change: c.6714T>A on transcript NM_000059.4 (MANE Select); coding-DNA position 6714, T replaced by A.
Protein change: p.Asp2238Glu; replaces aspartic acid 2238 with glutamic acid.
Molecular consequence: missense variant.
Genome position (GRCh38, 1-based): chr13:32,341,069, T>A. VCF-style: chr13-32341069-T-A. GRCh37 (hg19) VCF-style: chr13-32915206-T-A.
Other names: short protein forms D2238E.
Identifiers: ClinVar variation 568110 (VCV000568110.13), dbSNP rs28897742, ClinGen allele CA387791010.

ClinVar aggregate classification (germline): Conflicting classifications of pathogenicity. Review status: criteria provided, conflicting classifications (1 of 4 stars). 5 submissions from 5 submitters: Uncertain significance (4); Likely benign (1). Last evaluated 2025-11-04.

Conditions:
Hereditary cancer-predisposing syndrome. Also called: Neoplastic Syndromes, Hereditary; Tumor predisposition; Hereditary Cancer Syndrome; Hereditary neoplastic syndrome. Identifiers: Orphanet 140162, MedGen C0027672, MeSH D009386, MONDO:0015356.
Hereditary breast ovarian cancer syndrome. Also called: Hereditary breast and/or ovarian cancer syndrome; Hereditary breast and ovarian cancer syndrome; Hereditary breast and ovarian cancer; Hereditary breast and ovarian cancer syndrome (HBOC); Breast and ovarian cancer; BRCA1- and BRCA2-Associated Hereditary Breast and Ovarian Cancer. Identifiers: Orphanet 145, MedGen C0677776, MeSH D061325, MONDO:0003582. Disease mechanism: loss of function.
Breast-ovarian cancer, familial, susceptibility to, 2 (BROVCA2). Also called: BRCA2 Hereditary Breast and Ovarian Cancer. Identifiers: Orphanet 145, MedGen C2675520, MONDO:0012933, OMIM 612555. Disease mechanism: loss of function.

Submissions (5):

Labcorp Genetics (formerly Invitae), Labcorp
Classification: Uncertain significance for Hereditary breast ovarian cancer syndrome. Last evaluated: 2025-11-04. Review status: criteria provided, single submitter. Criteria: Invitae Variant Classification Sherloc (09022015). Collection method: clinical testing. Allele origin: germline.
Comment: This sequence change replaces aspartic acid, which is acidic and polar, with glutamic acid, which is acidic and polar, at codon 2238 of the BRCA2 protein (p.Asp2238Glu). This variant is not present in population databases (gnomAD no frequency). This variant has not been reported in the literature in individuals affected with BRCA2-related conditions. ClinVar contains an entry for this variant (Variation ID: 568110). Invitae Evidence Modeling of protein sequence and biophysical properties (such as structural, functional, and spatial information, amino acid conservation, physicochemical variation, residue mobility, and thermodynamic stability) indicates that this missense variant is not expected to disrupt BRCA2 protein function with a negative predictive value of 95%. In summary, the available evidence is currently insufficient to determine the role of this variant in disease. Therefore, it has been classified as a Variant of Uncertain Significance.

Quest Diagnostics Nichols Institute San Juan Capistrano
Classification: Uncertain significance. Last evaluated: 2025-09-10. Review status: criteria provided, single submitter. Criteria: Quest Diagnostics criteria. Collection method: clinical testing. Allele origin: unknown.
Comment: The BRCA2 c.6714T>A (p.Asp2238Glu) variant has been reported in the published literature in a region of the BRCA2 gene that is tolerant to missense sequence changes (PMID: 31911673 (2020)) but has also been observed with inconclusive results in a multifactorial likelihood study (PMID: 31131967 (2019)). To the best of our knowledge, this variant has not been reported in individuals with BRCA2-related cancers. This variant has not been reported in large, multi-ethnic general populations (Genome Aggregation Database). Analysis of this variant using bioinformatics tools for the prediction of the effect of amino acid changes on protein structure and function yielded predictions that this variant is benign. Based on the available information, we are unable to determine the clinical significance of this variant.

Ambry Genetics
Classification: Uncertain significance for Hereditary cancer-predisposing syndrome. Last evaluated: 2024-02-28. Review status: criteria provided, single submitter. Criteria: Ambry Variant Classification Scheme 2023. Collection method: clinical testing. Allele origin: germline.
Comment: The p.D2238E variant (also known as c.6714T>A), located in coding exon 10 of the BRCA2 gene, results from a T to A substitution at nucleotide position 6714. The aspartic acid at codon 2238 is replaced by glutamic acid, an amino acid with highly similar properties. This amino acid position is poorly conserved in available vertebrate species. In addition, this alteration is predicted to be tolerated by in silico analysis. Based on the available evidence, the clinical significance of this alteration remains unclear.

University of Washington Department of Laboratory Medicine, University of Washington
Classification: Likely benign for Hereditary cancer-predisposing syndrome. Last evaluated: 2023-03-23. Review status: criteria provided, single submitter. Criteria: Dines et al. (Genet Med. 2020). Collection method: curation. Allele origin: germline.
Comment: Missense variant in a coldspot region where missense variants are very unlikely to be pathogenic (PMID:31911673).

BRCA2 exon 11 coldspot. Reclassification based on statistical prior probability.

All of Us Research Program, National Institutes of Health
Classification: Uncertain significance for Breast-ovarian cancer, familial, susceptibility to, 2. Last evaluated: 2022-12-16. Review status: criteria provided, single submitter. Criteria: ACMG Guidelines, 2015. Collection method: clinical testing. Allele origin: germline. Inheritance: Autosomal dominant inheritance. Observed: 1 variant allele, 1 heterozygote.
Comment: This missense variant replaces aspartic acid with glutamic acid at codon 2238 of the BRCA2 protein. Computational prediction suggests that this variant may not impact protein structure and function (internally defined REVEL score threshold <= 0.5, PMID: 27666373). To our knowledge, functional studies have not been reported for this variant. This variant has not been reported in individuals affected with hereditary cancer in the literature. This variant has not been identified in the general population by the Genome Aggregation Database (gnomAD). The available evidence is insufficient to determine the role of this variant in disease conclusively. Therefore, this variant is classified as a Variant of Uncertain Significance.

This study involves interpretation of variants in research participants for the purpose of population health screening. Participant phenotype was not available at the time of variant classification. Additional details can be found in publication PMID: 35346344, PMCID: PMC8962531

Literature cited by the submitters: PubMed 31911673 (cited by Quest Diagnostics Nichols Institute San Juan Capistrano); PubMed 18724707 (cited by Quest Diagnostics Nichols Institute San Juan Capistrano and Ambry Genetics); PubMed 31131967 (cited by Quest Diagnostics Nichols Institute San Juan Capistrano).